The following is an entry in ClinVar:

NM_002417.5(MKI67):c.7907C>T (p.Pro2636Leu)

Gene: MKI67 (marker of proliferation Ki-67; minus strand). Cytogenetic location: 10q26.2.
Variant type: single nucleotide variant.
Coding change: c.7907C>T on transcript NM_002417.5 (MANE Select); coding-DNA position 7907, C replaced by T.
Protein change: p.Pro2636Leu; replaces proline 2636 with leucine.
Molecular consequence: missense variant.
Genome position (GRCh38, 1-based): chr10:128,103,933, G>A on the plus strand (C>T on the coding strand, the complement: MKI67 is on the minus strand). VCF-style: chr10-128103933-G-A. GRCh37 (hg19) VCF-style: chr10-129902197-G-A.
Other names: c.6827C>T, p.Pro2276Leu (NM_001145966.2); short protein forms P2276L, P2636L.
Identifiers: ClinVar variation 3036932 (VCV003036932.1), dbSNP rs143309375, ClinGen allele CA5746097.
Genomic context (GRCh38, chr10:128,103,933, plus strand): 5'-GGGTTTGGTTTCTTCTTTGCACGTTGCTTCAATACTTTGATGCCCTCATCACCGCTTGCT[G>A]GTTCTTTGTGTGTGTGTGTGCTTTGCCCTGATGTTTGCGTGAGCCTCTCAACTGCTGAGA-3'
Protein context (NP_002408.3, residues 2626-2646): SGQSTHTHKE[Pro2636Leu]ASGDEGIKVL

ClinVar aggregate classification (germline): Likely benign (1 of 4 stars; one submission).

Conditions:
MKI67-related disorder. Also called: MKI67-related condition.

Allele frequency attached by ClinVar (database versions not stated): ESP Exome Variant Server 0.00038; gnomAD 0.00043; TOPMed 0.00052; ExAC 0.00070; gnomAD exomes 0.00074.
gnomAD v4.1: 1,171 of 1,614,062 alleles (0.073%); highest among the groups gnomAD compares: South Asian, 0.15%; 3 homozygotes.

Submission:

PreventionGenetics, part of Exact Sciences
Classification: Likely benign for MKI67-related condition. Last evaluated: 2023-01-12. Review status: criteria provided, single submitter. Criteria: ACMG Guidelines, 2015. Collection method: clinical testing. Allele origin: germline.
Comment: This variant is classified as likely benign based on ACMG/AMP sequence variant interpretation guidelines (Richards et al. 2015 PMID: 25741868, with internal and published modifications).